The following is an entry in ClinVar:

NM_000048.4(ASL):c.617G>T (p.Gly206Val)

Gene: ASL (argininosuccinate lyase; plus strand). Cytogenetic location: 7q11.21.
Variant type: single nucleotide variant.
Coding change: c.617G>T on transcript NM_000048.4 (MANE Select); coding-DNA position 617, G replaced by T.
Protein change: p.Gly206Val; replaces glycine 206 with valine.
Molecular consequence: missense variant.
Genome position (GRCh38, 1-based): chr7:66,087,348, G>T. VCF-style: chr7-66087348-G-T. GRCh37 (hg19) VCF-style: chr7-65552335-G-T.
Other names: c.617G>T, p.Gly206Val (NM_001024943.2, NM_001024944.2); c.539G>T, p.Gly180Val (NM_001024946.2); short protein forms G180V, G206V.
Identifiers: ClinVar variation 2678624 (VCV002678624.3), dbSNP rs760559303, ClinGen allele CA4277056.

ClinVar aggregate classification (germline): Pathogenic/Likely pathogenic. Review status: criteria provided, multiple submitters, no conflicts (2 of 4 stars). 3 submissions from 3 submitters: Pathogenic (1); Likely pathogenic (2). Last evaluated 2026-07-14.

Conditions:
Argininosuccinate lyase deficiency. Also called: Argininosuccinic aciduria; ARGININOSUCCINIC ACID LYASE DEFICIENCY; ASL DEFICIENCY. Identifiers: Orphanet 23, MedGen C0268547, MONDO:0008815, OMIM 207900, HP:0025630.

Allele frequency attached by ClinVar (database versions not stated): gnomAD exomes below 0.00001; ExAC 0.00001.
gnomAD v4.1: 1 of 1,605,488 alleles (0.000062%); highest among the groups gnomAD compares: Non-Finnish European, 0.000085%; no homozygotes.

Submissions (3):

Myriad Genetics, Inc.
Classification: Likely pathogenic for Argininosuccinate lyase deficiency. Last evaluated: 2026-07-14. Review status: criteria provided, single submitter. Criteria: Myriad Autosomal Dominant, Autosomal Recessive and X-Linked Classification Criteria (2023). Collection method: clinical testing. Allele origin: unknown.
Comment: NM_001024943.1(ASL):c.617G>T(G206V) is a missense variant classified as likely pathogenic in the context of argininosuccinic aciduria. G206V has been observed in cases with relevant disease (PMID: 24166829, 31943503). Relevant functional assessments of this variant are available in the literature (PMID: 31943503). G206V has been observed in referenced population frequency databases. In summary, NM_001024943.1(ASL):c.617G>T(G206V) is a missense variant that has functional support for pathogenicity and has been observed more frequently in cases with the relevant disease than in healthy populations. Please note: this variant was assessed in the context of healthy population screening.

Women's Health and Genetics/Laboratory Corporation of America, LabCorp
Classification: Likely pathogenic for Argininosuccinate lyase deficiency. Last evaluated: 2024-12-27. Review status: criteria provided, single submitter. Criteria: LabCorp Variant Classification Summary - May 2015. Collection method: clinical testing. Allele origin: germline.
Comment: Variant summary: ASL c.617G>T (p.Gly206Val) results in a non-conservative amino acid change located in the Fumarase/aspartase (N-terminal domain) (IPR024083) of the encoded protein sequence. Five of five in-silico tools predict a damaging effect of the variant on protein function. The variant allele was found at a frequency of 4.1e-06 in 244670 control chromosomes. c.617G>T has been reported in the literature in individuals affected with Argininosuccinic Aciduria (Zielonka_2020). These report(s) do not provide unequivocal conclusions about association of the variant with Argininosuccinic Aciduria. At least one publication reports experimental evidence evaluating an impact on protein function. The most pronounced variant effect results in <10% of normal activity in an in vitro cellular assay (Zielonka_2020). The following publications have been ascertained in the context of this evaluation (PMID: 24166829, 31943503). ClinVar contains an entry for this variant (Variation ID: 2678624). Based on the evidence outlined above, the variant was classified as likely pathogenic.

Baylor Genetics
Classification: Pathogenic for Argininosuccinate lyase deficiency. Last evaluated: 2023-10-10. Review status: criteria provided, single submitter. Criteria: ACMG Guidelines, 2015. Collection method: clinical testing. Allele origin: unknown.

Literature cited by the submitters: PubMed 24166829 (cited by Myriad Genetics, Inc. and Women's Health and Genetics/Laboratory Corporation of America, LabCorp); PubMed 31943503 (cited by Myriad Genetics, Inc. and Women's Health and Genetics/Laboratory Corporation of America, LabCorp).